The following is an entry in ClinVar:

ClinVar aggregate classification (germline): Uncertain significance. Review status: criteria provided, multiple submitters, no conflicts (2 of 4 stars). 5 submissions from 5 submitters: Uncertain significance (5). Last evaluated 2025-07-30.

Conditions:
Hereditary cancer-predisposing syndrome. Also called: Neoplastic Syndromes, Hereditary; Tumor predisposition; Hereditary neoplastic syndrome; Hereditary Cancer Syndrome. Identifiers: Orphanet 140162, MedGen C0027672, MeSH D009386, MONDO:0015356.
Cardiovascular phenotype. Identifiers: MedGen CN230736.

Allele frequency attached by ClinVar (database versions not stated): gnomAD exomes below 0.00001; gnomAD 0.00001; TOPMed 0.00001.
gnomAD v4.1: 30 of 1,608,912 alleles (0.0019%); highest among the groups gnomAD compares: Non-Finnish European, 0.0023%; no homozygotes.

Submissions (5):

Labcorp Genetics (formerly Invitae), Labcorp
Classification: Uncertain significance. Last evaluated: 2025-07-30. Review status: criteria provided, single submitter. Criteria: Invitae Variant Classification Sherloc (09022015). Collection method: clinical testing. Allele origin: germline.
Comment: This sequence change replaces valine, which is neutral and non-polar, with glycine, which is neutral and non-polar, at codon 645 of the LZTR1 protein (p.Val645Gly). This variant is present in population databases (no rsID available, gnomAD 0.002%). This variant has not been reported in the literature in individuals affected with LZTR1-related conditions. ClinVar contains an entry for this variant (Variation ID: 933187). Invitae Evidence Modeling of protein sequence and biophysical properties (such as structural, functional, and spatial information, amino acid conservation, physicochemical variation, residue mobility, and thermodynamic stability) indicates that this missense variant is not expected to disrupt LZTR1 protein function with a negative predictive value of 80%. In summary, the available evidence is currently insufficient to determine the role of this variant in disease. Therefore, it has been classified as a Variant of Uncertain Significance.

Ambry Genetics
Classification: Uncertain significance for Cardiovascular phenotype; Hereditary cancer-predisposing syndrome. Last evaluated: 2025-05-19. Review status: criteria provided, single submitter. Criteria: Ambry Variant Classification Scheme 2023. Collection method: clinical testing. Allele origin: germline.
Comment: The p.V645G variant (also known as c.1934T>G), located in coding exon 16 of the LZTR1 gene, results from a T to G substitution at nucleotide position 1934. The valine at codon 645 is replaced by glycine, an amino acid with dissimilar properties. This amino acid position is not well conserved in available vertebrate species. In addition, this alteration is predicted to be tolerated by in silico analysis. Since supporting evidence is limited at this time, the clinical significance of this alteration remains unclear.

CeGaT Center for Human Genetics Tuebingen
Classification: Uncertain significance. Last evaluated: 2025-03-01. Review status: criteria provided, single submitter. Criteria: CeGaT Center For Human Genetics Tuebingen Variant Classification Criteria Version 2. Collection method: clinical testing. Allele origin: germline. Affected: yes. Observed: 1 variant allele.
Comment: LZTR1: PM2:Supporting, BP4

GeneDx
Classification: Uncertain significance. Last evaluated: 2023-07-10. Review status: criteria provided, single submitter. Criteria: GeneDx Variant Classification Process June 2021. Collection method: clinical testing. Allele origin: germline. Affected: yes.
Comment: Not observed at a significant frequency in large population cohorts (gnomAD); In silico analysis supports that this missense variant does not alter protein structure/function; Has not been previously published as pathogenic or benign to our knowledge

Women's Health and Genetics/Laboratory Corporation of America, LabCorp
Classification: Uncertain significance. Last evaluated: 2020-06-01. Review status: criteria provided, single submitter. Criteria: LabCorp Variant Classification Summary - May 2015. Collection method: clinical testing. Allele origin: germline.
Comment: Variant summary: LZTR1 c.1934T>G (p.Val645Gly) results in a non-conservative amino acid change in the encoded protein sequence. Three of five in-silico tools predict a benign effect of the variant on protein function. The variant allele was found at a frequency of 4.1e-06 in 246868 control chromosomes (gnomAD). The available data on variant occurrences in the general population are insufficient to allow any conclusion about variant significance. To our knowledge, no occurrence of c.1934T>G in individuals affected with Noonan Syndrome and Related Conditions and no experimental evidence demonstrating its impact on protein function have been reported. No clinical diagnostic laboratories have submitted clinical-significance assessments for this variant to ClinVar after 2014. Based on the evidence outlined above, the variant was classified as uncertain significance.

NM_006767.4(LZTR1):c.1934T>G (p.Val645Gly)

Gene: LZTR1 (leucine zipper like post translational regulator 1; plus strand). Cytogenetic location: 22q11.21.
Variant type: single nucleotide variant.
Coding change: c.1934T>G on transcript NM_006767.4 (MANE Select); coding-DNA position 1934, T replaced by G.
Protein change: p.Val645Gly; replaces valine 645 with glycine.
Molecular consequence: missense variant.
Genome position (GRCh38, 1-based): chr22:20,995,018, T>G. VCF-style: chr22-20995018-T-G. GRCh37 (hg19) VCF-style: chr22-21349307-T-G.
Other names: short protein forms V645G.
Identifiers: ClinVar variation 933187 (VCV000933187.16), dbSNP rs1190268151, ClinGen allele CA410778763.